The following is an entry in ClinVar:

ClinVar aggregate classification (germline): Likely benign. Review status: criteria provided, multiple submitters, no conflicts (2 of 4 stars). 3 submissions from 3 submitters: Likely benign (3). Last evaluated 2026-01-01.

Allele frequency attached by ClinVar (database versions not stated): gnomAD exomes 0.00014; TOPMed 0.00009; gnomAD 0.00011; ESP Exome Variant Server 0.00015; 1000 Genomes Project 30x 0.00016; ExAC 0.00016; 1000 Genomes Project 0.00020.

Submissions (3):

CeGaT Center for Human Genetics Tuebingen
Classification: Likely benign. Last evaluated: 2026-01-01. Review status: criteria provided, single submitter. Criteria: CeGaT Center For Human Genetics Tuebingen Variant Classification Criteria Version 2. Collection method: clinical testing. Allele origin: germline. Affected: yes. Observed: 2 variant alleles.
Comment: NAXE: BS2

Labcorp Genetics (formerly Invitae), Labcorp
Classification: Likely benign. Last evaluated: 2025-10-21. Review status: criteria provided, single submitter. Criteria: Invitae Variant Classification Sherloc (09022015). Collection method: clinical testing. Allele origin: germline.

Breakthrough Genomics
Classification: Likely benign. Review status: criteria provided, single submitter. Criteria: ACMG Guidelines, 2015. Collection method: not provided. Allele origin: germline. Inheritance: Autosomal recessive inheritance. Affected: yes.

NM_144772.3(NAXE):c.651C>T (p.Ile217=)

Gene: NAXE (NAD(P)HX epimerase; plus strand). Cytogenetic location: 1q22.
Variant type: single nucleotide variant.
Coding change: c.651C>T on transcript NM_144772.3 (MANE Select); coding-DNA position 651, C replaced by T.
Protein change: p.Ile217=; no amino-acid change (isoleucine 217 retained).
Molecular consequence: synonymous variant.
Genome position (GRCh38, 1-based): chr1:156,593,542, C>T. VCF-style: chr1-156593542-C-T. GRCh37 (hg19) VCF-style: chr1-156563334-C-T.
Identifiers: ClinVar variation 1156549 (VCV001156549.16), dbSNP rs139281973, ClinGen allele CA1162848.